The following is an entry in ClinVar:

NM_181836.6(TMED7):c.89G>A (p.Gly30Glu)

Genes: TMED7 (transmembrane p24 trafficking protein 7; minus strand), TMED7-TICAM2 (TMED7-TICAM2 readthrough; minus strand), LOC129994401 (ATAC-STARR-seq lymphoblastoid silent region 16254; plus strand). Cytogenetic location: 5q22.3.
Variant type: single nucleotide variant.
Coding change: c.89G>A on transcript NM_181836.6 (MANE Select); coding-DNA position 89, G replaced by A.
Protein change: p.Gly30Glu; replaces glycine 30 with glutamic acid.
Molecular consequence: missense variant.
Genome position (GRCh38, 1-based): chr5:115,625,704, C>T on the plus strand (G>A on the coding strand, the complement: TMED7 is on the minus strand). VCF-style: chr5-115625704-C-T. GRCh37 (hg19) VCF-style: chr5-114961401-C-T.
Other names: c.89G>A, p.Gly30Glu (NM_001164468.4, NM_001164469.4); short protein forms G30E.
Identifiers: ClinVar variation 4718669 (VCV004718669.1).

ClinVar aggregate classification (germline): Uncertain significance (1 of 4 stars; one submission).

Submission:

Labcorp Genetics (formerly Invitae), Labcorp
Classification: Uncertain significance. Last evaluated: 2025-04-30. Review status: criteria provided, single submitter. Criteria: Invitae Variant Classification Sherloc (09022015). Collection method: clinical testing. Allele origin: germline.
Comment: This sequence change replaces glycine, which is neutral and non-polar, with glutamic acid, which is acidic and polar, at codon 30 of the TMED7 protein (p.Gly30Glu). This variant is not present in population databases (gnomAD no frequency). This variant has not been reported in the literature in individuals affected with TMED7-related conditions. An algorithm developed to predict the effect of missense changes on protein structure and function (PolyPhen-2) suggests that this variant is likely to be tolerated. In summary, the available evidence is currently insufficient to determine the role of this variant in disease. Therefore, it has been classified as a Variant of Uncertain Significance.